The following is an entry in ClinVar:

ClinVar aggregate classification (germline): Pathogenic. Review status: criteria provided, multiple submitters, no conflicts (2 of 4 stars). 3 submissions from 3 submitters: Pathogenic (3). Last evaluated 2024-07-26.

Conditions:
CFTR-related disorder (CFTR-RD). Also called: CFTR-related condition; CFTR-related disorders. Identifiers: MedGen C5924204, MONDO:7770004.
Cystic fibrosis (CF). Also called: MUCOVISCIDOSIS. Identifiers: Orphanet 586, MedGen C0010674, MONDO:0009061, OMIM 219700. Disease mechanism: loss of function.

Submissions (3):

Blueprint Genetics
Classification: Pathogenic for CFTR-related disorders. Last evaluated: 2024-07-26. Review status: criteria provided, single submitter. Criteria: ACMG Guidelines, 2015. Collection method: clinical testing. Allele origin: germline. Affected: yes. Observed: 1 variant allele.

Institute of Human Genetics, University of Leipzig Medical Center
Classification: Pathogenic for Cystic fibrosis. Last evaluated: 2022-09-05. Review status: criteria provided, single submitter. Criteria: ACMG Guidelines, 2015. Collection method: curation. Allele origin: unknown. Affected: yes. Observed: 1 variant allele.
Comment: The variant was classified in the context of a project re-classifying variants in the German Cystic Fibrosis Registry (Muko.e.V.). Criteria applied: PVS1, PM3, PM2_SUP

CFTR-France
Classification: Pathogenic for cystic fibrosis. Last evaluated: 2018-01-29. Review status: criteria provided, single submitter. Criteria: Claustres M et al. (Hum Mutat 2017). Collection method: curation. Allele origin: germline. Affected: yes.

NM_000492.4(CFTR):c.1642_1643del (p.Leu548fs)

Genes: CFTR (CF transmembrane conductance regulator; plus strand), LOC111674475 (CFTR intron 11 enhancer; plus strand). Cytogenetic location: 7q31.2.
Variant type: Deletion.
Coding change: c.1642_1643del on transcript NM_000492.4 (MANE Select); coding-DNA positions 1642 to 1643, 2 bases deleted (CT; older notation c.1642_1643delCT).
Protein change: p.Leu548fs; shifts the reading frame from leucine 548.
Molecular consequence: frameshift variant.
Genome position (GRCh38, 1-based): chr7:117,587,796-117,587,797, CT deleted. VCF-style (leftmost placement, unchanged base first): chr7-117587795-ACT-A. GRCh37 (hg19) VCF-style: chr7-117227849-ACT-A.
Other names: 1774delCT; c.1642_1643delCT (NM_000492.3, NM_000492.4); short protein forms L548fs.
Identifiers: ClinVar variation 53310 (VCV000053310.3), dbSNP rs397508246, ClinGen allele CA326569.